The following is an entry in ClinVar:

ClinVar aggregate classification (germline): Uncertain significance. Review status: criteria provided, multiple submitters, no conflicts (2 of 4 stars). 2 submissions from 2 submitters: Uncertain significance (2). Last evaluated 2025-08-09.

Conditions:
Inborn genetic diseases. Identifiers: MedGen C0950123, MeSH D030342.

Allele frequency attached by ClinVar (database versions not stated): gnomAD exomes below 0.00001.
gnomAD v4.1: 1 of 1,613,458 alleles (0.000062%); highest among the groups gnomAD compares: Non-Finnish European, 0.000085%; no homozygotes.

Submissions (2):

Ambry Genetics
Classification: Uncertain significance for Inborn genetic diseases. Last evaluated: 2025-08-09. Review status: criteria provided, single submitter. Criteria: Ambry Variant Classification Scheme 2023. Collection method: clinical testing. Allele origin: germline.

Labcorp Genetics (formerly Invitae), Labcorp
Classification: Uncertain significance. Last evaluated: 2022-08-06. Review status: criteria provided, single submitter. Criteria: Invitae Variant Classification Sherloc (09022015). Collection method: clinical testing. Allele origin: germline.
Comment: In summary, the available evidence is currently insufficient to determine the role of this variant in disease. Therefore, it has been classified as a Variant of Uncertain Significance. Algorithms developed to predict the effect of missense changes on protein structure and function (SIFT, PolyPhen-2, Align-GVGD) all suggest that this variant is likely to be tolerated. This variant has not been reported in the literature in individuals affected with DRAM2-related conditions. This variant is present in population databases (no rsID available, gnomAD 0.0009%). This sequence change replaces leucine, which is neutral and non-polar, with phenylalanine, which is neutral and non-polar, at codon 98 of the DRAM2 protein (p.Leu98Phe).

NM_001349884.2(DRAM2):c.292C>T (p.Leu98Phe)

Gene: DRAM2 (DNA damage regulated autophagy modulator 2; minus strand). Cytogenetic location: 1p13.3.
Variant type: single nucleotide variant.
Coding change: c.292C>T on transcript NM_001349884.2 (MANE Select); coding-DNA position 292, C replaced by T.
Protein change: p.Leu98Phe; replaces leucine 98 with phenylalanine.
Molecular consequence: missense variant. On other transcripts: 5 prime UTR variant (1), non-coding transcript variant (3), intron variant (7).
Genome position (GRCh38, 1-based): chr1:111,124,789, G>A on the plus strand (C>T on the coding strand, the complement: DRAM2 is on the minus strand). VCF-style: chr1-111124789-G-A. GRCh37 (hg19) VCF-style: chr1-111667411-G-A.
Other names: c.292C>T, p.Leu98Phe (NM_001349881.2, NM_001349882.2, NM_001349885.2 and 1 more transcripts); c.-127C>T (NM_001349891.2); c.-52+1438C>T (NM_001349889.2, NM_001349890.2, NM_001349892.2 and 1 more transcripts); c.41+1438C>T (NM_001349887.2, NM_001349886.2, NM_001349888.2); c.292C>T (NM_178454.4); short protein forms L98F.
Identifiers: ClinVar variation 1967430 (VCV001967430.6), dbSNP rs1179495818, ClinGen allele CA341819234.
Genomic context (GRCh38, chr1:111,124,789, plus strand): 5'-CTAAAACACAAACCTGGAAGTTTGCCACAATAGAAAGTCCTAAACAACTCAGTATTCCAA[G>A]TACAAGGCCAGCCTTGTTTAATTTGATGATAACGTTCTCTTCAGGACTCAGAGCATGAAC-3'
Protein context (NP_001336813.1, residues 88-108): IIKLNKAGLV[Leu98Phe]GILSCLGLSI